The following is an entry in ClinVar:

ClinVar aggregate classification (germline): Uncertain significance (1 of 4 stars; one submission).

Conditions:
Neurofibromatosis, type 1 (NF1). Also called: VON RECKLINGHAUSEN DISEASE; Neurofibromatosis, type I; Peripheral type neurofibromatosis; NEUROFIBROMATOSIS, TYPE I, SOMATIC. Identifiers: Orphanet 636, MedGen C0027831, MONDO:0018975, OMIM 162200. Disease mechanism: loss of function.

Submission:

Labcorp Genetics (formerly Invitae), Labcorp
Classification: Uncertain significance for Neurofibromatosis, type 1. Last evaluated: 2023-03-27. Review status: criteria provided, single submitter. Criteria: Invitae Variant Classification Sherloc (09022015). Collection method: clinical testing. Allele origin: germline.
Comment: This sequence change replaces proline, which is neutral and non-polar, with threonine, which is neutral and polar, at codon 698 of the NF1 protein (p.Pro698Thr). This variant is not present in population databases (gnomAD no frequency). In summary, the available evidence is currently insufficient to determine the role of this variant in disease. Therefore, it has been classified as a Variant of Uncertain Significance. Advanced modeling of protein sequence and biophysical properties (such as structural, functional, and spatial information, amino acid conservation, physicochemical variation, residue mobility, and thermodynamic stability) has been performed at Invitae for this missense variant, however the output from this modeling did not meet the statistical confidence thresholds required to predict the impact of this variant on NF1 protein function. This variant has not been reported in the literature in individuals affected with NF1-related conditions.

NM_001042492.3(NF1):c.2092C>A (p.Pro698Thr)

Gene: NF1 (neurofibromin 1; plus strand). Cytogenetic location: 17q11.2.
Variant type: single nucleotide variant.
Coding change: c.2092C>A on transcript NM_001042492.3 (MANE Select); coding-DNA position 2092, C replaced by A.
Protein change: p.Pro698Thr; replaces proline 698 with threonine.
Molecular consequence: missense variant.
Genome position (GRCh38, 1-based): chr17:31,226,525, C>A. VCF-style: chr17-31226525-C-A. GRCh37 (hg19) VCF-style: chr17-29553543-C-A.
Other names: c.2092C>A, p.Pro698Thr (NM_000267.4); short protein forms P698T.
Identifiers: ClinVar variation 2850048 (VCV002850048.3), dbSNP rs1182909595, ClinGen allele CA398982238.